The following is an entry in ClinVar:

ClinVar aggregate classification (germline): Benign/Likely benign. Review status: criteria provided, multiple submitters, no conflicts (2 of 4 stars). 5 submissions from 5 submitters: Benign (1); Likely benign (3). 1 of the submissions does not count toward it. Last evaluated 2024-08-06.

Conditions:
Inborn genetic diseases. Identifiers: MedGen C0950123, MeSH D030342.
TRIO-related disorder. Also called: TRIO-related condition; TRIO-related disorders.

Allele frequency attached by ClinVar (database versions not stated): ExAC 0.00032; ESP Exome Variant Server 0.00063; gnomAD 0.00093 and 0.00104; TOPMed 0.00103; gnomAD exomes 0.00007 and 0.00031; 1000 Genomes Project 30x 0.00016; 1000 Genomes Project 0.00020.

Submissions (5):

Blueprint Genetics
Classification: Likely benign. Last evaluated: 2024-08-06. Review status: criteria provided, single submitter. Criteria: ACMG Guidelines, 2015. Collection method: clinical testing. Allele origin: germline.

CeGaT Center for Human Genetics Tuebingen
Classification: Likely benign. Last evaluated: 2023-09-01. Review status: criteria provided, single submitter. Criteria: CeGaT Center For Human Genetics Tuebingen Variant Classification Criteria Version 2. Collection method: clinical testing. Allele origin: germline. Affected: yes. Observed: 1 variant allele.
Comment: TRIO: BP4, BS1

Ambry Genetics
Classification: Likely benign for Inborn genetic diseases. Last evaluated: 2021-03-10. Review status: criteria provided, single submitter. Criteria: Ambry Variant Classification Scheme 2023. Collection method: clinical testing. Allele origin: germline.

GeneDx
Classification: Benign. Last evaluated: 2020-03-25. Review status: criteria provided, single submitter. Criteria: GeneDx Variant Classification Process June 2021. Collection method: clinical testing. Allele origin: germline. Affected: yes.

PreventionGenetics, part of Exact Sciences
Classification: Likely benign for TRIO-related condition. Last evaluated: 2024-08-09. Review status: no assertion criteria provided. Collection method: clinical testing. Allele origin: germline. Not counted in ClinVar's aggregate classification.
Comment: This variant is classified as likely benign based on ACMG/AMP sequence variant interpretation guidelines (Richards et al. 2015 PMID: 25741868, with internal and published modifications).

NM_007118.4(TRIO):c.6836-3C>T

Gene: TRIO (trio Rho guanine nucleotide exchange factor; plus strand). Cytogenetic location: 5p15.2.
Variant type: single nucleotide variant.
Coding change: c.6836-3C>T on transcript NM_007118.4 (MANE Select); 3 bases into the intron before coding-DNA position 6836, C replaced by T.
Molecular consequence: intron variant.
Genome position (GRCh38, 1-based): chr5:14,487,461, C>T. VCF-style: chr5-14487461-C-T. GRCh37 (hg19) VCF-style: chr5-14487570-C-T.
Other names: c.6836-3C>T (NM_007118.2, NM_007118.3).
Identifiers: ClinVar variation 1274304 (VCV001274304.28), dbSNP rs373420044, ClinGen allele CA3207263.